The following is an entry in ClinVar:

ClinVar aggregate classification (germline): Pathogenic (1 of 4 stars; one submission).

Conditions:
Cone-rod dystrophy 13 (CORD13). Identifiers: Orphanet 1872, MedGen C2750720, MONDO:0011987, OMIM 608194.
Leber congenital amaurosis 6 (LCA6). Identifiers: Orphanet 65, MedGen C1854260, MONDO:0013446, OMIM 613826.

Submission:

Labcorp Genetics (formerly Invitae), Labcorp
Classification: Pathogenic for Leber congenital amaurosis 6; Cone-rod dystrophy 13. Last evaluated: 2022-05-17. Review status: criteria provided, single submitter. Criteria: Invitae Variant Classification Sherloc (09022015). Collection method: clinical testing. Allele origin: germline.
Comment: For these reasons, this variant has been classified as Pathogenic. This variant has not been reported in the literature in individuals affected with RPGRIP1-related conditions. This variant is not present in population databases (gnomAD no frequency). This sequence change creates a premature translational stop signal (p.Cys665*) in the RPGRIP1 gene. It is expected to result in an absent or disrupted protein product. Loss-of-function variants in RPGRIP1 are known to be pathogenic (PMID: 11528500, 23105016).

Literature cited by the submitters: PubMed 11528500; PubMed 23105016.

NM_020366.4(RPGRIP1):c.1995T>A (p.Cys665Ter)

Gene: RPGRIP1 (RPGR interacting protein 1; plus strand). Cytogenetic location: 14q11.2.
Variant type: single nucleotide variant.
Coding change: c.1995T>A on transcript NM_020366.4 (MANE Select); coding-DNA position 1995, T replaced by A.
Protein change: p.Cys665Ter; replaces cysteine 665 with a stop codon.
Molecular consequence: nonsense. On other transcripts: intron variant (4).
Genome position (GRCh38, 1-based): chr14:21,324,850, T>A. VCF-style: chr14-21324850-T-A. GRCh37 (hg19) VCF-style: chr14-21793009-T-A.
Other names: c.921T>A, p.Cys307Ter (NM_001377948.1); c.796+125T>A (NM_001377949.1); c.689-2773T>A (NM_001377523.1, NM_001377950.1); c.191-2773T>A (NM_001377951.1); short protein forms C665*, C307*.
Identifiers: ClinVar variation 1452635 (VCV001452635.6), dbSNP rs1225223445, ClinGen allele CA388867509.